The following is an entry in ClinVar:

NM_000237.3(LPL):c.958G>T (p.Val320Phe)

Gene: LPL (lipoprotein lipase; plus strand). Cytogenetic location: 8p21.3.
Variant type: single nucleotide variant.
Coding change: c.958G>T on transcript NM_000237.3 (MANE Select); coding-DNA position 958, G replaced by T.
Protein change: p.Val320Phe; replaces valine 320 with phenylalanine.
Molecular consequence: missense variant.
Genome position (GRCh38, 1-based): chr8:19,956,023, G>T. VCF-style: chr8-19956023-G-T. GRCh37 (hg19) VCF-style: chr8-19813534-G-T.
Other names: short protein forms V320F.
Identifiers: ClinVar variation 1302175 (VCV001302175.5), dbSNP rs767970819, ClinGen allele CA4655562.

ClinVar aggregate classification (germline): Uncertain significance. Review status: criteria provided, multiple submitters, no conflicts (2 of 4 stars). 2 submissions from 2 submitters: Uncertain significance (2). Last evaluated 2025-07-15.

Conditions:
Cardiovascular phenotype. Identifiers: MedGen CN230736.

Allele frequency attached by ClinVar (database versions not stated): gnomAD 0.00001; TOPMed 0.00001; gnomAD exomes 0.00002 and 0.00004; ExAC 0.00007.
gnomAD v4.1: 30 of 1,614,044 alleles (0.0019%); highest among the groups gnomAD compares: South Asian, 0.033%; no homozygotes.

Submissions (2):

Ambry Genetics
Classification: Uncertain significance for Cardiovascular phenotype. Last evaluated: 2025-07-15. Review status: criteria provided, single submitter. Criteria: Ambry Variant Classification Scheme 2023. Collection method: clinical testing. Allele origin: germline.
Comment: The p.V320F variant (also known as c.958G>T), located in coding exon 6 of the LPL gene, results from a G to T substitution at nucleotide position 958. The valine at codon 320 is replaced by phenylalanine, an amino acid with highly similar properties. This amino acid position is conserved. In addition, this alteration is predicted to be deleterious by in silico analysis. Since supporting evidence is limited at this time, the clinical significance of this alteration remains unclear.

GeneDx
Classification: Uncertain significance. Last evaluated: 2019-12-23. Review status: criteria provided, single submitter. Criteria: GeneDx Variant Classification Process June 2021. Collection method: clinical testing. Allele origin: germline. Affected: yes.
Comment: Has not been previously published as pathogenic or benign to our knowledge; In silico analysis, which includes protein predictors and evolutionary conservation, supports a deleterious effect